The following is an entry in ClinVar:

NM_173660.5(DOK7):c.1327C>T (p.Pro443Ser)

Gene: DOK7 (docking protein 7; plus strand). Cytogenetic location: 4p16.3.
Variant type: single nucleotide variant.
Coding change: c.1327C>T on transcript NM_173660.5 (MANE Select); coding-DNA position 1327, C replaced by T.
Protein change: p.Pro443Ser; replaces proline 443 with serine.
Molecular consequence: missense variant. On other transcripts: 3 prime UTR variant (1).
Genome position (GRCh38, 1-based): chr4:3,493,313, C>T. VCF-style: chr4-3493313-C-T. GRCh37 (hg19) VCF-style: chr4-3495040-C-T.
Other names: c.*548C>T (NM_001164673.2); c.397C>T, p.Pro133Ser (NM_001256896.2); c.1327C>T, p.Pro443Ser (NM_001301071.2); c.895C>T, p.Pro299Ser (NM_001363811.2); short protein forms P133S, P299S, P443S.
Identifiers: ClinVar variation 1351008 (VCV001351008.4), dbSNP rs748946433, ClinGen allele CA91557425.

ClinVar aggregate classification (germline): Conflicting classifications of pathogenicity. Review status: criteria provided, conflicting classifications (1 of 4 stars). 2 submissions from 2 submitters: Uncertain significance (1); Likely benign (1). Last evaluated 2024-09-20.

Conditions:
Congenital myasthenic syndrome 10. Also called: Myasthenia, limb-girdle, familial. Identifiers: Orphanet 590, MedGen C1850792, MONDO:0009690, OMIM 254300.
Fetal akinesia deformation sequence 3. Identifiers: MedGen C4760599, MONDO:0100103, OMIM 618389.
Fetal akinesia deformation sequence 1 (FADS1). Also called: Pena-Shokeir syndrome type I; Fetal akinesia sequence. Identifiers: Orphanet 994, MedGen C1276035, MONDO:0100101, OMIM 208150, HP:0001989.

gnomAD v4.1: 15 of 1,605,042 alleles (0.00093%); highest among the groups gnomAD compares: African/African-American, 0.0013%; no homozygotes.

Submissions (2):

3billion
Classification: Likely benign for Fetal akinesia deformation sequence 3; Congenital myasthenic syndrome 10. Last evaluated: 2024-09-20. Review status: criteria provided, single submitter. Criteria: ACMG Guidelines, 2015. Collection method: clinical testing. Allele origin: germline. Affected: no.
Comment: The homozygous variant was found in patients diagnosed with another variant in a different gene, with no symptoms related to the gene containing the homozygous variant.

Labcorp Genetics (formerly Invitae), Labcorp
Classification: Uncertain significance for Congenital myasthenic syndrome 10; Fetal akinesia deformation sequence 1. Last evaluated: 2022-06-20. Review status: criteria provided, single submitter. Criteria: Invitae Variant Classification Sherloc (09022015). Collection method: clinical testing. Allele origin: germline.
Comment: This sequence change replaces proline, which is neutral and non-polar, with serine, which is neutral and polar, at codon 443 of the DOK7 protein (p.Pro443Ser). This variant is not present in population databases (gnomAD no frequency). This variant has not been reported in the literature in individuals affected with DOK7-related conditions. Algorithms developed to predict the effect of missense changes on protein structure and function output the following: SIFT: "Tolerated"; PolyPhen-2: "Benign"; Align-GVGD: "Class C0". The serine amino acid residue is found in multiple mammalian species, which suggests that this missense change does not adversely affect protein function. In summary, the available evidence is currently insufficient to determine the role of this variant in disease. Therefore, it has been classified as a Variant of Uncertain Significance.